The following is an entry in ClinVar:

ClinVar aggregate classification (germline): Conflicting classifications of pathogenicity. Review status: criteria provided, conflicting classifications (1 of 4 stars). 4 submissions from 4 submitters: Uncertain significance (3); Likely benign (1). Last evaluated 2025-08-19.

Conditions:
Hereditary breast ovarian cancer syndrome. Also called: BRCA1- and BRCA2-Associated Hereditary Breast and Ovarian Cancer; Hereditary breast and ovarian cancer syndrome; Hereditary breast and/or ovarian cancer syndrome; Hereditary breast and ovarian cancer; Hereditary breast and ovarian cancer syndrome (HBOC); Breast and ovarian cancer. Identifiers: Orphanet 145, MedGen C0677776, MeSH D061325, MONDO:0003582. Disease mechanism: loss of function.
Hereditary cancer-predisposing syndrome. Also called: Tumor predisposition; Neoplastic Syndromes, Hereditary; Hereditary Cancer Syndrome; Hereditary neoplastic syndrome. Identifiers: Orphanet 140162, MedGen C0027672, MeSH D009386, MONDO:0015356.

Allele frequency attached by ClinVar (database versions not stated): gnomAD exomes below 0.00001; TOPMed below 0.00001.
gnomAD v4.1: 1 of 1,602,694 alleles (0.000062%); highest among the groups gnomAD compares: Non-Finnish European, 0.000085%; no homozygotes.

Submissions (4):

Ambry Genetics
Classification: Uncertain significance for Hereditary cancer-predisposing syndrome. Last evaluated: 2025-08-19. Review status: criteria provided, single submitter. Criteria: Ambry Variant Classification Scheme 2023. Collection method: clinical testing. Allele origin: germline.
Comment: The p.E826A variant (also known as c.2477A>C), located in coding exon 10 of the BRCA2 gene, results from an A to C substitution at nucleotide position 2477. The glutamic acid at codon 826 is replaced by alanine, an amino acid with dissimilar properties. This amino acid position is not well conserved in available vertebrate species. In addition, this alteration is predicted to be tolerated by in silico analysis. Since supporting evidence is limited at this time, the clinical significance of this alteration remains unclear.

Labcorp Genetics (formerly Invitae), Labcorp
Classification: Uncertain significance for Hereditary breast ovarian cancer syndrome. Last evaluated: 2023-07-08. Review status: criteria provided, single submitter. Criteria: Invitae Variant Classification Sherloc (09022015). Collection method: clinical testing. Allele origin: germline.
Comment: This sequence change replaces glutamic acid, which is acidic and polar, with alanine, which is neutral and non-polar, at codon 826 of the BRCA2 protein (p.Glu826Ala). This variant is not present in population databases (gnomAD no frequency). This variant has not been reported in the literature in individuals affected with BRCA2-related conditions. ClinVar contains an entry for this variant (Variation ID: 801098). Advanced modeling of protein sequence and biophysical properties (such as structural, functional, and spatial information, amino acid conservation, physicochemical variation, residue mobility, and thermodynamic stability) performed at Invitae indicates that this missense variant is not expected to disrupt BRCA2 protein function. In summary, the available evidence is currently insufficient to determine the role of this variant in disease. Therefore, it has been classified as a Variant of Uncertain Significance.

University of Washington Department of Laboratory Medicine, University of Washington
Classification: Likely benign for Hereditary cancer-predisposing syndrome. Last evaluated: 2023-03-23. Review status: criteria provided, single submitter. Criteria: Dines et al. (Genet Med. 2020). Collection method: curation. Allele origin: germline.
Comment: Missense variant in a coldspot region where missense variants are very unlikely to be pathogenic (PMID:31911673).

BRCA2 exon 11 coldspot. Reclassification based on statistical prior probability.

Quest Diagnostics Nichols Institute San Juan Capistrano
Classification: Uncertain significance. Last evaluated: 2019-04-24. Review status: criteria provided, single submitter. Criteria: Quest Diagnostics criteria. Collection method: clinical testing. Allele origin: germline.

NM_000059.4(BRCA2):c.2477A>C (p.Glu826Ala)

Gene: BRCA2 (BRCA2 DNA repair associated; plus strand). Cytogenetic location: 13q13.1.
Variant type: single nucleotide variant.
Coding change: c.2477A>C on transcript NM_000059.4 (MANE Select); coding-DNA position 2477, A replaced by C.
Protein change: p.Glu826Ala; replaces glutamic acid 826 with alanine.
Molecular consequence: missense variant.
Genome position (GRCh38, 1-based): chr13:32,336,832, A>C. VCF-style: chr13-32336832-A-C. GRCh37 (hg19) VCF-style: chr13-32910969-A-C.
Other names: short protein forms E826A.
Identifiers: ClinVar variation 801098 (VCV000801098.14), dbSNP rs1214763097, ClinGen allele CA387772377.